The following is an entry in ClinVar:

ClinVar aggregate classification (germline): Uncertain significance. Review status: criteria provided, multiple submitters, no conflicts (2 of 4 stars). 2 submissions from 2 submitters: Uncertain significance (2). Last evaluated 2025-04-16.

Conditions:
Cranioectodermal dysplasia 3 (CED3). Identifiers: Orphanet 1515, MedGen C3279807, MONDO:0013573, OMIM 614099.
Short-rib thoracic dysplasia 18 with polydactyly. Identifiers: MedGen C4693420, MONDO:0036483, OMIM 617866.
Retinitis pigmentosa 81 (RP81). Identifiers: MedGen C4693443, MONDO:0036482, OMIM 617871.

Allele frequency attached by ClinVar (database versions not stated): gnomAD exomes 0.00001.

Submissions (2):

Labcorp Genetics (formerly Invitae), Labcorp
Classification: Uncertain significance. Last evaluated: 2025-04-16. Review status: criteria provided, single submitter. Criteria: Invitae Variant Classification Sherloc (09022015). Collection method: clinical testing. Allele origin: germline.
Comment: This sequence change replaces arginine, which is basic and polar, with glutamine, which is neutral and polar, at codon 59 of the IFT43 protein (p.Arg59Gln). This variant is present in population databases (rs756786140, gnomAD 0.003%). This variant has not been reported in the literature in individuals affected with IFT43-related conditions. ClinVar contains an entry for this variant (Variation ID: 1391766). An algorithm developed to predict the effect of missense changes on protein structure and function (PolyPhen-2) suggests that this variant is likely to be disruptive. In summary, the available evidence is currently insufficient to determine the role of this variant in disease. Therefore, it has been classified as a Variant of Uncertain Significance.

Fulgent Genetics
Classification: Uncertain significance for Cranioectodermal dysplasia 3; Short-rib thoracic dysplasia 18 with polydactyly; Retinitis pigmentosa 81. Last evaluated: 2024-03-21. Review status: criteria provided, single submitter. Criteria: ACMG Guidelines, 2015. Collection method: clinical testing. Allele origin: germline.

NM_001102564.3(IFT43):c.176G>A (p.Arg59Gln)

Gene: IFT43 (intraflagellar transport 43; plus strand). Cytogenetic location: 14q24.3.
Variant type: single nucleotide variant.
Coding change: c.176G>A on transcript NM_001102564.3 (MANE Select); coding-DNA position 176, G replaced by A.
Protein change: p.Arg59Gln; replaces arginine 59 with glutamine.
Molecular consequence: missense variant. On other transcripts: non-coding transcript variant (2).
Genome position (GRCh38, 1-based): chr14:76,022,355, G>A. VCF-style: chr14-76022355-G-A. GRCh37 (hg19) VCF-style: chr14-76488698-G-A.
Other names: c.176G>A, p.Arg59Gln (NM_001255995.3, NM_052873.3); short protein forms R59Q.
Identifiers: ClinVar variation 1391766 (VCV001391766.8), dbSNP rs756786140, ClinGen allele CA263708092.